The following is an entry in ClinVar:

NM_000081.4(LYST):c.10235G>A (p.Arg3412His)

Gene: LYST (lysosomal trafficking regulator; minus strand). Cytogenetic location: 1q42.3.
Variant type: single nucleotide variant.
Coding change: c.10235G>A on transcript NM_000081.4 (MANE Select); coding-DNA position 10235, G replaced by A.
Protein change: p.Arg3412His; replaces arginine 3412 with histidine.
Molecular consequence: missense variant.
Genome position (GRCh38, 1-based): chr1:235,702,886, C>T on the plus strand (G>A on the coding strand, the complement: LYST is on the minus strand). VCF-style: chr1-235702886-C-T. GRCh37 (hg19) VCF-style: chr1-235866186-C-T.
Other names: p.Arg3412His; c.10235G>A (NM_000081.2); c.10235G>A, p.Arg3412His (NM_001301365.1); short protein forms R3412H.
Identifiers: ClinVar variation 525155 (VCV000525155.28), dbSNP rs148409403, ClinGen allele CA1465413.
Genomic context (GRCh38, chr1:235,702,886, plus strand): 5'-TCTCCTTCAATATTGAGCTTGGCTCCAGGTCTGCTCACATGGGCCATGTGGAACAGCTGA[C>T]GGGGAGTCTGCCCGTAGGTTTTTATCATGGTTTCTAGCGCTCGTCTCTGAACTGGATCTT-3'
Protein context (NP_000072.2, residues 3402-3422): TMIKTYGQTP[Arg3412His]QLFHMAHVSR

ClinVar aggregate classification (germline): Uncertain significance. Review status: criteria provided, multiple submitters, no conflicts (2 of 4 stars). 10 submissions from 10 submitters: Uncertain significance (10). Last evaluated 2026-06-11.

Conditions:
Autoinflammatory syndrome. Identifiers: Orphanet 93665, MedGen C3890737, MONDO:0019751.
LYST-related disorder. Also called: LYST-related condition.
Inborn genetic diseases. Identifiers: MedGen C0950123, MeSH D030342.
Chédiak-Higashi syndrome (CHS). Also called: Chediak-Higashi Syndrome. Identifiers: Orphanet 167, MedGen C0007965, MONDO:0008963, OMIM 214500.

Allele frequency attached by ClinVar (database versions not stated): 1000 Genomes Project 30x 0.00016; 1000 Genomes Project 0.00020; ExAC 0.00065; TOPMed 0.00067; gnomAD exomes 0.00068; gnomAD 0.00072 and 0.00073; ESP Exome Variant Server 0.00077.
gnomAD v4.1: 1,460 of 1,614,148 alleles (0.09%); highest among the groups gnomAD compares: Non-Finnish European, 0.11%; 2 homozygotes.

Submissions (10):

Women's Health and Genetics/Laboratory Corporation of America, LabCorp
Classification: Uncertain significance. Last evaluated: 2026-06-11. Review status: criteria provided, single submitter. Criteria: LabCorp Variant Classification Summary - May 2015. Collection method: clinical testing. Allele origin: germline.
Comment: Variant summary: LYST c.10235G>A (p.Arg3412His) results in a non-conservative amino acid change in the encoded protein sequence. Algorithms developed to predict the effect of missense changes on protein structure and function all suggest that this variant is likely to be disruptive. The variant allele was found at a frequency of 0.00068 in 251326 control chromosomes (gnomAD). This frequency is not significantly higher than estimated for disease-causing variants in LYST, allowing no conclusion about variant significance. c.10235G>A has been observed in individuals affected with LYST-related conditions (Gallo_2016, Roussel_2018, Fioredda_2024, Tulling_2024). These reports do not provide unequivocal conclusions about association of the variant with disease. To our knowledge, no experimental evidence demonstrating an impact on protein function has been reported. The following publications have been ascertained in the context of this evaluation (PMID: 38282561, 27872624, 26863999, 30498080, 38744408). ClinVar contains an entry for this variant (Variation ID: 525155). Based on the evidence outlined above, the variant was classified as uncertain significance.

Mayo Clinic Laboratories, Mayo Clinic
Classification: Uncertain significance. Last evaluated: 2025-09-08. Review status: criteria provided, single submitter. Criteria: ACMG Guidelines, 2015. Collection method: clinical testing. Allele origin: germline. Observed: 3 variant alleles.
Comment: BS1, PP3

PreventionGenetics, part of Exact Sciences
Classification: Uncertain significance for LYST-related condition. Last evaluated: 2025-07-28. Review status: criteria provided, single submitter. Criteria: ACMG Guidelines, 2015. Collection method: clinical testing. Allele origin: germline.
Comment: The LYST c.10235G>A variant is predicted to result in the amino acid substitution p.Arg3412His. This variant has been reported in the compound heterozygous state in an individual with neutropenia (Table S3, Fioredda et al. 2024. PubMed ID: 38282561). This variant is reported in 0.20% of alleles in individuals of Ashkenazi Jewish descent in gnomAD. Although we suspect that this variant may be benign, at this time, the clinical significance of this variant is uncertain due to the absence of conclusive functional and genetic evidence.

Blueprint Genetics
Classification: Uncertain significance. Last evaluated: 2024-11-20. Review status: criteria provided, single submitter. Criteria: ACMG Guidelines, 2015. Collection method: clinical testing. Allele origin: germline.

Labcorp Genetics (formerly Invitae), Labcorp
Classification: Uncertain significance for Chédiak-Higashi syndrome. Last evaluated: 2022-10-26. Review status: criteria provided, single submitter. Criteria: Invitae Variant Classification Sherloc (09022015). Collection method: clinical testing. Allele origin: germline.
Comment: This sequence change replaces arginine, which is basic and polar, with histidine, which is basic and polar, at codon 3412 of the LYST protein (p.Arg3412His). This variant is present in population databases (rs148409403, gnomAD 0.2%), and has an allele count higher than expected for a pathogenic variant. This missense change has been observed in individual(s) with primary immunodeficiency (PMID: 27872624). ClinVar contains an entry for this variant (Variation ID: 525155). Advanced modeling of protein sequence and biophysical properties (such as structural, functional, and spatial information, amino acid conservation, physicochemical variation, residue mobility, and thermodynamic stability) performed at Invitae indicates that this missense variant is expected to disrupt LYST protein function. In summary, the available evidence is currently insufficient to determine the role of this variant in disease. Therefore, it has been classified as a Variant of Uncertain Significance.

Ambry Genetics
Classification: Uncertain significance for Inborn genetic diseases. Last evaluated: 2020-11-18. Review status: criteria provided, single submitter. Criteria: Ambry Variant Classification Scheme 2023. Collection method: clinical testing. Allele origin: germline.
Comment: The c.10235G>A (p.R3412H) alteration is located in exon 45 (coding exon 43) of the LYST gene. This alteration results from a G to A substitution at nucleotide position 10235, causing the arginine (R) at amino acid position 3412 to be replaced by a histidine (H). Based on data from the Genome Aggregation Database (gnomAD) database, the LYST c.10235G>A alteration was observed in 0.07% (194/282734) of total alleles studied, with a frequency of 0.2% (21/10364) in the Ashkenazi Jewish subpopulation. This amino acid position is highly conserved in available vertebrate species. The in silico prediction for the p.R3412H alteration is inconclusive. Based on insufficient or conflicting evidence, the clinical significance of this alteration remains unclear.

Revvity Omics, Revvity
Classification: Uncertain significance for Chédiak-Higashi syndrome. Last evaluated: 2020-03-17. Review status: criteria provided, single submitter. Criteria: ACMG Guidelines, 2015. Collection method: clinical testing. Allele origin: germline.

Genome Diagnostics Laboratory, The Hospital for Sick Children
Classification: Uncertain significance for Autoinflammatory syndrome. Last evaluated: 2017-07-13. Review status: criteria provided, single submitter. Criteria: ACMG Guidelines, 2015. Collection method: clinical testing. Allele origin: germline. Affected: yes.

Eurofins Ntd Llc (ga)
Classification: Uncertain significance. Last evaluated: 2017-07-12. Review status: criteria provided, single submitter. Criteria: EGL Classification Definitions 2015. Collection method: clinical testing. Allele origin: germline. Observed: 1 variant allele, 1 heterozygote.

Illumina Laboratory Services, Illumina
Classification: Uncertain significance for Chédiak-Higashi syndrome. Last evaluated: 2017-04-27. Review status: criteria provided, single submitter. Criteria: ICSL Variant Classification Criteria 13 December 2019. Collection method: clinical testing. Allele origin: germline.
Comment: This variant was observed as part of a predisposition screen in an ostensibly healthy population. A literature search was performed for the gene, cDNA change, and amino acid change (where applicable). Publications were found based on this search. However, the evidence from the literature, in combination with allele frequency data from public databases where available, was not sufficient to rule this variant in or out of causing disease. Therefore, this variant is classified as a variant of unknown significance.

Literature cited by the submitters: PubMed 27872624 (cited by 4 submitters); PubMed 30498080 (cited by Women's Health and Genetics/Laboratory Corporation of America, LabCorp); PubMed 26863999 (cited by Women's Health and Genetics/Laboratory Corporation of America, LabCorp); PubMed 38282561 (cited by Women's Health and Genetics/Laboratory Corporation of America, LabCorp); PubMed 38744408 (cited by Women's Health and Genetics/Laboratory Corporation of America, LabCorp); PubMed 32290753 (cited by Mayo Clinic Laboratories, Mayo Clinic); PubMed 34187503 (cited by Mayo Clinic Laboratories, Mayo Clinic).